The following is an entry in ClinVar:

ClinVar aggregate classification (germline): Uncertain significance (1 of 4 stars; one submission).

Allele frequency attached by ClinVar (database versions not stated): gnomAD exomes below 0.00001.
gnomAD v4.1: 1 of 1,182,841 alleles (0.000085%); highest among the groups gnomAD compares: South Asian, 0.0018%; no homozygotes.

Submission:

GeneDx
Classification: Uncertain significance. Last evaluated: 2014-03-21. Review status: criteria provided, single submitter. Criteria: GeneDx Variant Classification (06012015). Collection method: clinical testing. Allele origin: germline. Affected: yes.
Comment: p.Arg393Trp (R393W) CGG>TGG: c.1177 C>T in exon 10 of the SRPX2 gene (NM_014467.2). A variant of unknown significance has been identified in the SRPX2 gene. The R393W variant has not been published as a mutation, nor has it been reported as a benign polymorphism to our knowledge. It was not observed in approximately 6,500 individuals of European and African American ancestry in the NHLBI Exome Sequencing Project, indicating it is not a common benign variant in these populations. The R393W variant is a non-conservative amino acid substitution, which is likely to impact secondary protein structure as these residues differ in polarity, charge, size and/or other properties. In silico analysis predicts this variant is probably damaging to the protein structure/function. This substitution occurs at a position that is conserved across mammals; however, this position is not conserved in distantly related species in evolution. Additionally, missense mutations in nearby residues have not been reported in association with SRPX2-related disorders. Therefore, based on the currently available information, it is unclear whether R393W is a pathogenic mutation or a rare benign variant. The variant is found in CORTICAL-BRAIN panel(s).

NM_014467.3(SRPX2):c.1177C>T (p.Arg393Trp)

Gene: SRPX2 (sushi repeat containing protein X-linked 2; plus strand). Cytogenetic location: Xq22.1.
Variant type: single nucleotide variant.
Coding change: c.1177C>T on transcript NM_014467.3 (MANE Select); coding-DNA position 1177, C replaced by T.
Protein change: p.Arg393Trp; replaces arginine 393 with tryptophan.
Molecular consequence: missense variant.
Genome position (GRCh38, 1-based): chrX:100,669,329, C>T. VCF-style: chrX-100669329-C-T. GRCh37 (hg19) VCF-style: chrX-99924326-C-T.
Other names: p.R393W:CGG>TGG; short protein forms R393W.
Identifiers: ClinVar variation 207396 (VCV000207396.2), dbSNP rs796053345, ClinGen allele CA318817.